The following is an entry in ClinVar:

NM_022455.5(NSD1):c.1976A>G (p.Asp659Gly)

Gene: NSD1 (nuclear receptor binding SET domain protein 1; plus strand). Cytogenetic location: 5q35.3.
Variant type: single nucleotide variant.
Coding change: c.1976A>G on transcript NM_022455.5 (MANE Select); coding-DNA position 1976, A replaced by G.
Protein change: p.Asp659Gly; replaces aspartic acid 659 with glycine.
Molecular consequence: missense variant.
Genome position (GRCh38, 1-based): chr5:177,210,375, A>G. VCF-style: chr5-177210375-A-G. GRCh37 (hg19) VCF-style: chr5-176637376-A-G.
Other names: c.1103A>G, p.Asp368Gly (NM_001365684.2, NM_001409306.1, NM_001409307.1 and 3 more transcripts); c.1976A>G, p.Asp659Gly (NM_001409301.1, NM_001409302.1, NM_001409303.1); c.1556A>G, p.Asp519Gly (NM_001409304.1); c.1223A>G, p.Asp408Gly (NM_001409305.1); short protein forms D390G, D659G, D408G, D519G, D368G.
Identifiers: ClinVar variation 809847 (VCV000809847.43), dbSNP rs754514832, ClinGen allele CA3577179.

ClinVar aggregate classification (germline): Conflicting classifications of pathogenicity. Review status: criteria provided, conflicting classifications (1 of 4 stars). 3 submissions from 3 submitters: Uncertain significance (2); Likely benign (1). Last evaluated 2026-06-01.

Conditions:
Sotos syndrome (SOTOS). Also called: CEREBRAL GIGANTISM; Distinctive facial appearance, overgrowth in childhood, and learning disabilities or delayed development; CHROMOSOME 5q35 DELETION SYNDROME; SOTOS SYNDROME 1; Sotos' syndrome. Identifiers: Orphanet 821, MedGen C0175695, MONDO:0019349, OMIM 117550.

Allele frequency attached by ClinVar (database versions not stated): gnomAD 0.00001; gnomAD exomes 0.00001; ExAC 0.00002; TOPMed 0.00003.
gnomAD v4.1: 35 of 1,614,080 alleles (0.0022%); highest among the groups gnomAD compares: Non-Finnish European, 0.0026%; no homozygotes.

Submissions (3):

CeGaT Center for Human Genetics Tuebingen
Classification: Likely benign. Last evaluated: 2026-06-01. Review status: criteria provided, single submitter. Criteria: CeGaT Center For Human Genetics Tuebingen Variant Classification Criteria Version 2. Collection method: clinical testing. Allele origin: germline. Affected: yes. Observed: 3 variant alleles.
Comment: NSD1: BS2

Women's Health and Genetics/Laboratory Corporation of America, LabCorp
Classification: Uncertain significance. Last evaluated: 2024-06-25. Review status: criteria provided, single submitter. Criteria: LabCorp Variant Classification Summary - May 2015. Collection method: clinical testing. Allele origin: germline.
Comment: Variant summary: NSD1 c.1976A>G (p.Asp659Gly) results in a non-conservative amino acid change in the encoded protein sequence. Four of five in-silico tools predict a benign effect of the variant on protein function. The variant allele was found at a frequency of 1.2e-05 in 250940 control chromosomes. The available data on variant occurrences in the general population are insufficient to allow any conclusion about variant significance. To our knowledge, no occurrence of c.1976A>G in individuals affected with Sotos Syndrome and no experimental evidence demonstrating its impact on protein function have been reported. ClinVar contains an entry for this variant (Variation ID: 809847). Based on the evidence outlined above, the variant was classified as uncertain significance.

Fulgent Genetics
Classification: Uncertain significance for Sotos syndrome. Last evaluated: 2022-02-02. Review status: criteria provided, single submitter. Criteria: ACMG Guidelines, 2015. Collection method: clinical testing. Allele origin: unknown.